The following is an entry in ClinVar:

ClinVar aggregate classification (germline): Uncertain significance (1 of 4 stars; one submission).

Conditions:
Facioscapulohumeral muscular dystrophy 2 (FSHD2). Also called: MUSCULAR DYSTROPHY, FACIOSCAPULOHUMERAL, TYPE 1B; FACIOSCAPULOHUMERAL MUSCULAR DYSTROPHY 2, DIGENIC; FSHD2, DIGENIC. Identifiers: Orphanet 269, MedGen C1834671, MONDO:0008031, OMIM 158901.

gnomAD v4.1: 5 of 1,561,408 alleles (0.00032%); highest among the groups gnomAD compares: Non-Finnish European, 0.00043%; no homozygotes.

Submission:

Labcorp Genetics (formerly Invitae), Labcorp
Classification: Uncertain significance for Facioscapulohumeral muscular dystrophy 2. Last evaluated: 2024-04-07. Review status: criteria provided, single submitter. Criteria: Invitae Variant Classification Sherloc (09022015). Collection method: clinical testing. Allele origin: germline.
Comment: This sequence change falls in intron 30 of the SMCHD1 gene. It does not directly change the encoded amino acid sequence of the SMCHD1 protein. It affects a nucleotide within the consensus splice site. This variant is present in population databases (no rsID available, gnomAD 0.001%). This variant has not been reported in the literature in individuals affected with SMCHD1-related conditions. Variants that disrupt the consensus splice site are a relatively common cause of aberrant splicing (PMID: 17576681, 9536098). Algorithms developed to predict the effect of sequence changes on RNA splicing suggest that this variant is not likely to affect RNA splicing. In summary, the available evidence is currently insufficient to determine the role of this variant in disease. Therefore, it has been classified as a Variant of Uncertain Significance.

Literature cited by the submitters: PubMed 17576681; PubMed 9536098.

NM_015295.3(SMCHD1):c.3927+6T>C

Gene: SMCHD1 (structural maintenance of chromosomes flexible hinge domain containing 1; plus strand). Cytogenetic location: 18p11.32.
Variant type: single nucleotide variant.
Coding change: c.3927+6T>C on transcript NM_015295.3 (MANE Select); 6 bases into the intron after coding-DNA position 3927, T replaced by C.
Molecular consequence: intron variant.
Genome position (GRCh38, 1-based): chr18:2,747,653, T>C. VCF-style: chr18-2747653-T-C. GRCh37 (hg19) VCF-style: chr18-2747651-T-C.
Identifiers: ClinVar variation 3636581 (VCV003636581.2).